The following is an entry in ClinVar:

ClinVar aggregate classification (germline): Uncertain significance. Review status: criteria provided, multiple submitters, no conflicts (2 of 4 stars). 3 submissions from 3 submitters: Uncertain significance (3). Last evaluated 2025-05-28.

Conditions:
Inborn genetic diseases. Identifiers: MedGen C0950123, MeSH D030342.

Allele frequency attached by ClinVar (database versions not stated): gnomAD exomes below 0.00001; gnomAD 0.00001; TOPMed 0.00002.

Submissions (3):

Dasa
Classification: Uncertain significance. Last evaluated: 2025-05-28. Review status: criteria provided, single submitter. Criteria: DASA Assertion Criteria. Collection method: clinical testing. Allele origin: germline.
Comment: NM_000836.4(GRIN2D):c.3157G>A (p.Glu1053Lys) is a missense variant that results in the substitution of glutamic acid with lysine. This variant is rare in population databases. Computational prediction algorithms are consistent with a benign effect. The currently available literature and clinical evidence are not sufficient to establish a definitive association between this variant and the reported condition. Therefore, this variant is classified as a variant of uncertain significance.

Ambry Genetics
Classification: Uncertain significance for Inborn genetic diseases. Last evaluated: 2025-02-25. Review status: criteria provided, single submitter. Criteria: Ambry Variant Classification Scheme 2023. Collection method: clinical testing. Allele origin: germline.

Labcorp Genetics (formerly Invitae), Labcorp
Classification: Uncertain significance. Last evaluated: 2024-10-24. Review status: criteria provided, single submitter. Criteria: Invitae Variant Classification Sherloc (09022015). Collection method: clinical testing. Allele origin: germline.
Comment: This sequence change replaces glutamic acid, which is acidic and polar, with lysine, which is basic and polar, at codon 1053 of the GRIN2D protein (p.Glu1053Lys). The frequency data for this variant in the population databases is considered unreliable, as metrics indicate insufficient coverage at this position in the gnomAD database. This variant has not been reported in the literature in individuals affected with GRIN2D-related conditions. ClinVar contains an entry for this variant (Variation ID: 2070169). Invitae Evidence Modeling of protein sequence and biophysical properties (such as structural, functional, and spatial information, amino acid conservation, physicochemical variation, residue mobility, and thermodynamic stability) indicates that this missense variant is not expected to disrupt GRIN2D protein function with a negative predictive value of 95%. In summary, the available evidence is currently insufficient to determine the role of this variant in disease. Therefore, it has been classified as a Variant of Uncertain Significance.

NM_000836.4(GRIN2D):c.3157G>A (p.Glu1053Lys)

Gene: GRIN2D (glutamate ionotropic receptor NMDA type subunit 2D; plus strand). Cytogenetic location: 19q13.33.
Variant type: single nucleotide variant.
Coding change: c.3157G>A on transcript NM_000836.4 (MANE Select); coding-DNA position 3157, G replaced by A.
Protein change: p.Glu1053Lys; replaces glutamic acid 1053 with lysine.
Molecular consequence: missense variant.
Genome position (GRCh38, 1-based): chr19:48,443,083, G>A. VCF-style: chr19-48443083-G-A. GRCh37 (hg19) VCF-style: chr19-48946340-G-A.
Other names: short protein forms E1053K.
Identifiers: ClinVar variation 2070169 (VCV002070169.8), dbSNP rs1171168538, ClinGen allele CA406674995.